The following is an entry in ClinVar:

NM_001394372.1(BICRA):c.2374C>T (p.Pro792Ser)

Gene: BICRA (BRD4 interacting chromatin remodeling complex associated protein; plus strand). Cytogenetic location: 19q13.33.
Variant type: single nucleotide variant.
Coding change: c.2374C>T on transcript NM_001394372.1 (MANE Select); coding-DNA position 2374, C replaced by T.
Protein change: p.Pro792Ser; replaces proline 792 with serine.
Molecular consequence: missense variant.
Genome position (GRCh38, 1-based): chr19:47,694,205, C>T. VCF-style: chr19-47694205-C-T. GRCh37 (hg19) VCF-style: chr19-48197462-C-T.
Other names: c.2374C>T, p.Pro792Ser (NM_015711.3); short protein forms P792S.
Identifiers: ClinVar variation 5020470 (VCV005020470.1).

ClinVar aggregate classification (germline): Uncertain significance (1 of 4 stars; one submission).

gnomAD v4.1: 3 of 879,394 alleles (0.00034%); highest among the groups gnomAD compares: South Asian, 0.0016%; no homozygotes.

Submission:

Dasa
Classification: Uncertain significance. Last evaluated: 2026-05-27. Review status: criteria provided, single submitter. Criteria: DASA Assertion Criteria. Collection method: clinical testing. Allele origin: germline.
Comment: NM_001394372.1(BICRA):c.2374C>T (p.Pro792Ser) is a missense variant that results in the substitution of proline with serine. This variant is rare in population databases. Computational prediction algorithms are consistent with a benign effect. The currently available literature and clinical evidence are not sufficient to establish a definitive association between this variant and the reported condition. Therefore, this variant is classified as a variant of uncertain significance.